The following is an entry in ClinVar:

NM_000334.4(SCN4A):c.4066G>A (p.Asp1356Asn)

Genes: GH-LCR (growth hormone locus control region; plus strand), SCN4A (sodium voltage-gated channel alpha subunit 4; minus strand). Cytogenetic location: 17q23.3.
Variant type: single nucleotide variant.
Coding change: c.4066G>A on transcript NM_000334.4 (MANE Select); coding-DNA position 4066, G replaced by A.
Protein change: p.Asp1356Asn; replaces aspartic acid 1356 with asparagine.
Molecular consequence: missense variant.
Genome position (GRCh38, 1-based): chr17:63,943,048, C>T on the plus strand (G>A on the coding strand, the complement: SCN4A is on the minus strand). VCF-style: chr17-63943048-C-T. GRCh37 (hg19) VCF-style: chr17-62020408-C-T.
Other names: short protein forms D1356N.
Identifiers: ClinVar variation 651084 (VCV000651084.11), dbSNP rs772704244, ClinGen allele CA8709058.

ClinVar aggregate classification (germline): Uncertain significance (1 of 4 stars; one submission).

Conditions:
Hyperkalemic periodic paralysis. Also called: Familial hyperkalemic periodic paralysis; Gamstorp disease. Identifiers: Orphanet 682, MedGen C0238357, MONDO:0008224, OMIM 170500, HP:0007215.

Allele frequency attached by ClinVar (database versions not stated): gnomAD exomes below 0.00001 and 0.00001; TOPMed below 0.00001; ExAC 0.00001.
gnomAD v4.1: 7 of 1,613,774 alleles (0.00043%); highest among the groups gnomAD compares: Admixed American, 0.0017%; no homozygotes.

Submission:

Labcorp Genetics (formerly Invitae), Labcorp
Classification: Uncertain significance for Hyperkalemic periodic paralysis. Last evaluated: 2019-05-30. Review status: criteria provided, single submitter. Criteria: Invitae Variant Classification Sherloc (09022015). Collection method: clinical testing. Allele origin: germline.
Comment: This sequence change replaces aspartic acid with asparagine at codon 1356 of the SCN4A protein (p.Asp1356Asn). The aspartic acid residue is highly conserved and there is a small physicochemical difference between aspartic acid and asparagine. This variant is present in population databases (rs772704244, ExAC 0.02%). This variant has not been reported in the literature in individuals with SCN4A-related disease. Algorithms developed to predict the effect of missense changes on protein structure and function are either unavailable or do not agree on the potential impact of this missense change (SIFT: "Deleterious"; PolyPhen-2: "Probably Damaging"; Align-GVGD: "Class C15"). In summary, the available evidence is currently insufficient to determine the role of this variant in disease. Therefore, it has been classified as a Variant of Uncertain Significance.